The following is an entry in ClinVar:

ClinVar aggregate classification (germline): Benign. Review status: criteria provided, multiple submitters, no conflicts (2 of 4 stars). 5 submissions from 5 submitters: Benign (4). 1 of the submissions does not count toward it. Last evaluated 2026-02-02.

Conditions:
GALNT2-related disorder. Also called: GALNT2-related condition.

Allele frequency attached by ClinVar (database versions not stated): ExAC 0.08531; gnomAD exomes 0.09111 and 0.05905; 1000 Genomes Project 30x 0.11118; ESP Exome Variant Server 0.04190; gnomAD 0.05166 and 0.05670; TOPMed 0.06370; 1000 Genomes Project 0.11342.
gnomAD v4.1: 94,965 of 1,614,092 alleles (5.9%); highest among the groups gnomAD compares: East Asian, 30%; 5,020 homozygotes.

Submissions (5):

Labcorp Genetics (formerly Invitae), Labcorp
Classification: Benign. Last evaluated: 2026-02-02. Review status: criteria provided, single submitter. Criteria: Invitae Variant Classification Sherloc (09022015). Collection method: clinical testing. Allele origin: germline.

Mayo Clinic Laboratories, Mayo Clinic
Classification: Benign. Last evaluated: 2022-09-15. Review status: criteria provided, single submitter. Criteria: ACMG Guidelines, 2015. Collection method: clinical testing. Allele origin: germline. Observed: 2 variant alleles.
Comment: BA1

GeneDx
Classification: Benign. Last evaluated: 2020-04-28. Review status: criteria provided, single submitter. Criteria: GeneDx Variant Classification Process June 2021. Collection method: clinical testing. Allele origin: germline. Affected: yes.
Comment: This variant is associated with the following publications: (PMID: 31619059)

Breakthrough Genomics
Classification: Benign. Review status: criteria provided, single submitter. Criteria: ACMG Guidelines, 2015. Collection method: not provided. Allele origin: germline. Inheritance: Autosomal recessive inheritance. Affected: yes.

PreventionGenetics, part of Exact Sciences
Classification: Benign for GALNT2-related condition. Last evaluated: 2019-10-21. Review status: no assertion criteria provided. Collection method: clinical testing. Allele origin: germline. Not counted in ClinVar's aggregate classification.
Comment: This variant is classified as benign based on ACMG/AMP sequence variant interpretation guidelines (Richards et al. 2015 PMID: 25741868, with internal and published modifications).

NM_004481.5(GALNT2):c.1660G>A (p.Val554Met)

Gene: GALNT2 (polypeptide N-acetylgalactosaminyltransferase 2; plus strand). Cytogenetic location: 1q42.13.
Variant type: single nucleotide variant.
Coding change: c.1660G>A on transcript NM_004481.5 (MANE Select); coding-DNA position 1660, G replaced by A.
Protein change: p.Val554Met; replaces valine 554 with methionine.
Molecular consequence: missense variant.
Genome position (GRCh38, 1-based): chr1:230,279,402, G>A. VCF-style: chr1-230279402-G-A. GRCh37 (hg19) VCF-style: chr1-230415148-G-A.
Other names: p.Val554Met; c.1546G>A, p.Val516Met (NM_001291866.2); short protein forms V516M, V554M.
Identifiers: ClinVar variation 1269574 (VCV001269574.13), dbSNP rs2273970, ClinGen allele CA1446594.